The following is an entry in ClinVar:

NM_007129.5(ZIC2):c.1493dup (p.Gly499fs)

Gene: ZIC2 (Zic family zinc finger 2; plus strand). Cytogenetic location: 13q32.3.
Variant type: Duplication.
Coding change: c.1493dup on transcript NM_007129.5 (MANE Select); coding-DNA position 1493, one base duplicated (G; older notation c.1493dupG).
Protein change: p.Gly499fs; shifts the reading frame from glycine 499.
Molecular consequence: frameshift variant.
Genome position (GRCh38, 1-based): chr13:99,985,576, G duplicated; the last of 5 consecutive G bases (chr13:99,985,572-99,985,576); duplicating any one gives the same sequence. VCF-style (leftmost placement, unchanged base first): chr13-99985571-C-CG. GRCh37 (hg19) VCF-style: chr13-100637825-C-CG.
Other names: short protein forms G499fs.
Identifiers: ClinVar variation 4711857 (VCV004711857.1).

ClinVar aggregate classification (germline): Uncertain significance (1 of 4 stars; one submission).

Conditions:
Holoprosencephaly 5 (HPE5). Identifiers: Orphanet 2162, MedGen C1864827, MONDO:0012322, OMIM 609637.

Submission:

Labcorp Genetics (formerly Invitae), Labcorp
Classification: Uncertain significance for Holoprosencephaly 5. Last evaluated: 2025-03-27. Review status: criteria provided, single submitter. Criteria: Invitae Variant Classification Sherloc (09022015). Collection method: clinical testing. Allele origin: germline.
Comment: This sequence change creates a premature translational stop signal (p.Gly499Argfs*31) in the ZIC2 gene. While this is not anticipated to result in nonsense mediated decay, it is expected to disrupt the last 34 amino acid(s) of the ZIC2 protein. The frequency data for this variant in the population databases is considered unreliable, as metrics indicate insufficient coverage at this position in the gnomAD database. This variant has not been reported in the literature in individuals affected with ZIC2-related conditions. This variant disrupts a region of the ZIC2 protein in which other variant(s) (p.Gly507_Gly508del) have been observed in individuals with ZIC2-related conditions (PMID: 32022405). This suggests that this is a clinically significant region of the protein, and that variants that disrupt it are likely to be disease-causing. In summary, the available evidence is currently insufficient to determine the role of this variant in disease. Therefore, it has been classified as a Variant of Uncertain Significance.

Literature cited by the submitters: PubMed 32022405.